The following is an entry in ClinVar:

ClinVar aggregate classification (germline): Uncertain significance (1 of 4 stars; one submission).

Allele frequency attached by ClinVar (database versions not stated): ExAC 0.00001; gnomAD 0.00001; TOPMed 0.00001.

Submission:

Labcorp Genetics (formerly Invitae), Labcorp
Classification: Uncertain significance. Last evaluated: 2023-03-10. Review status: criteria provided, single submitter. Criteria: Invitae Variant Classification Sherloc (09022015). Collection method: clinical testing. Allele origin: germline.
Comment: In summary, the available evidence is currently insufficient to determine the role of this variant in disease. Therefore, it has been classified as a Variant of Uncertain Significance. An algorithm developed to predict the effect of missense changes on protein structure and function (PolyPhen-2) suggests that this variant is likely to be disruptive. This variant has not been reported in the literature in individuals affected with MOCS3-related conditions. This variant is present in population databases (rs767467905, gnomAD 0.008%). This sequence change replaces glycine, which is neutral and non-polar, with aspartic acid, which is acidic and polar, at codon 268 of the MOCS3 protein (p.Gly268Asp).

NM_014484.5(MOCS3):c.803G>A (p.Gly268Asp)

Gene: MOCS3 (molybdenum cofactor synthesis 3; plus strand). Cytogenetic location: 20q13.13.
Variant type: single nucleotide variant.
Coding change: c.803G>A on transcript NM_014484.5 (MANE Select); coding-DNA position 803, G replaced by A.
Protein change: p.Gly268Asp; replaces glycine 268 with aspartic acid.
Molecular consequence: missense variant.
Genome position (GRCh38, 1-based): chr20:50,959,645, G>A. VCF-style: chr20-50959645-G-A. GRCh37 (hg19) VCF-style: chr20-49576182-G-A.
Other names: short protein forms G268D.
Identifiers: ClinVar variation 2786397 (VCV002786397.3), dbSNP rs767467905, ClinGen allele CA9909478.